The following is an entry in ClinVar:

NM_020877.5(DNAH2):c.12303A>T (p.Leu4101Phe)

Gene: DNAH2 (dynein axonemal heavy chain 2; plus strand). Cytogenetic location: 17p13.1.
Variant type: single nucleotide variant.
Coding change: c.12303A>T on transcript NM_020877.5 (MANE Select); coding-DNA position 12303, A replaced by T.
Protein change: p.Leu4101Phe; replaces leucine 4101 with phenylalanine.
Molecular consequence: missense variant.
Genome position (GRCh38, 1-based): chr17:7,831,158, A>T. VCF-style: chr17-7831158-A-T. GRCh37 (hg19) VCF-style: chr17-7734476-A-T.
Other names: c.12303A>T (NM_020877.3); short protein forms L4101F.
Identifiers: ClinVar variation 402715 (VCV000402715.7), dbSNP rs117465420, ClinGen allele CA8359708.

ClinVar aggregate classification (germline): Benign. Review status: criteria provided, multiple submitters, no conflicts (2 of 4 stars). 3 submissions from 3 submitters: Benign (2). 1 of the submissions does not count toward it. Last evaluated 2016-03-29.

Conditions:
DNAH2-related disorder. Also called: DNAH2-related condition.

Allele frequency attached by ClinVar (database versions not stated): 1000 Genomes Project 30x 0.01249; 1000 Genomes Project 0.01278; TOPMed 0.02122; ESP Exome Variant Server 0.02176; gnomAD 0.02269 and 0.02341; ExAC 0.02319; gnomAD exomes 0.02330 and 0.02450.
gnomAD v4.1: 37,935 of 1,614,068 alleles (2.4%); highest among the groups gnomAD compares: Middle Eastern, 8.6%; 618 homozygotes.

Submissions (3):

Laboratory for Molecular Medicine, Mass General Brigham Personalized Medicine
Classification: Benign. Last evaluated: 2016-03-29. Review status: criteria provided, single submitter. Criteria: LMM Criteria. Collection method: clinical testing. Allele origin: germline.
Comment: Variant identified in a genome or exome case(s) and assessed due to predicted null impact of the variant or pathogenic assertions in the literature or databases. Disclaimer: This variant has not undergone full assessment. The following are preliminary notes: Frequency

Breakthrough Genomics
Classification: Benign. Review status: criteria provided, single submitter. Criteria: ACMG Guidelines, 2015. Collection method: not provided. Allele origin: germline. Inheritance: Autosomal recessive inheritance. Affected: yes.

PreventionGenetics, part of Exact Sciences
Classification: Benign for DNAH2-related condition. Last evaluated: 2019-05-13. Review status: no assertion criteria provided. Collection method: clinical testing. Allele origin: germline. Not counted in ClinVar's aggregate classification.
Comment: This variant is classified as benign based on ACMG/AMP sequence variant interpretation guidelines (Richards et al. 2015 PMID: 25741868, with internal and published modifications).